The following is an entry in ClinVar:

NM_000551.4(VHL):c.340+637C>A

Genes: VHL (von Hippel-Lindau tumor suppressor; plus strand), LOC107303340 (3p25 von Hippel-Lindau tumor suppressor, E3 ubiquitin protein ligase Alu-mediated recombination region; plus strand). Cytogenetic location: 3p25.3.
Variant type: single nucleotide variant.
Coding change: c.340+637C>A on transcript NM_000551.4 (MANE Select); 637 bases into the intron after coding-DNA position 340, C replaced by A.
Molecular consequence: intron variant. On other transcripts: synonymous variant (1).
Genome position (GRCh38, 1-based): chr3:10,142,824, C>A. VCF-style: chr3-10142824-C-A. GRCh37 (hg19) VCF-style: chr3-10184508-C-A.
Other names: c.402C>A, p.Leu134= (NM_001354723.2); c.340+637C>A (NM_198156.3).
Identifiers: ClinVar variation 953978 (VCV000953978.10), dbSNP rs1696159418, ClinGen allele CA1139655735.

ClinVar aggregate classification (germline): Uncertain significance (1 of 4 stars; one submission).

Conditions:
Von Hippel-Lindau syndrome (VHLS). Also called: von Hippel–Lindau syndrome; VHL syndrome; Von Hippel-Lindau. Identifiers: Orphanet 892, MedGen C0019562, MONDO:0008667, OMIM 193300. Disease mechanism: loss of function.
Chuvash polycythemia. Also called: POLYCYTHEMIA, VHL-DEPENDENT. Identifiers: Orphanet 238557, MedGen C1837915, MONDO:0009892, OMIM 263400.

Submission:

Labcorp Genetics (formerly Invitae), Labcorp
Classification: Uncertain significance for Von Hippel-Lindau syndrome; Chuvash polycythemia. Last evaluated: 2019-10-30. Review status: criteria provided, single submitter. Criteria: Invitae Variant Classification Sherloc (09022015). Collection method: clinical testing. Allele origin: germline.
Comment: This sequence change falls in intron 1 of the VHL gene. It is not expected to change the encoded amino acid sequence of the VHL protein. However, this sequence change falls within a cryptic exon in the VHL gene, known as exon E1’, which is naturally expressed at low levels in several human tissues (PMID: 29891534). The frequency data for this variant in the population databases is considered unreliable, as metrics indicate insufficient coverage at this position in the ExAC database. This variant has not been reported in the literature in individuals with VHL-related conditions. Experimental studies and prediction algorithms are not available or were not evaluated, and the functional significance of this variant is currently unknown. In summary, the available evidence is currently insufficient to determine the role of this variant in disease. Therefore, it has been classified as a Variant of Uncertain Significance.

Literature cited by the submitters: PubMed 29891534.